The following is an entry in ClinVar:

ClinVar aggregate classification (germline): Benign/Likely benign. Review status: criteria provided, multiple submitters, no conflicts (2 of 4 stars). 5 submissions from 4 submitters: Benign (1); Likely benign (4). Last evaluated 2026-01-05.

Conditions:
Autosomal dominant nocturnal frontal lobe epilepsy 5. Also called: Epilepsy, nocturnal frontal lobe, 5; CILIARY DYSKINESIA, PRIMARY, 28, WITHOUT SITUS INVERSUS; CILIARY DYSKINESIA, PRIMARY, 28, WITH SITUS INVERSUS; KCNT1-Related Epilepsy. Identifiers: Orphanet 98784, MedGen C3554306, MONDO:0014002, OMIM 615005.
Developmental and epileptic encephalopathy, 14 (DEE14). Also called: Early infantile epileptic encephalopathy 14. Identifiers: Orphanet 293181, MedGen C3554195, MONDO:0013989, OMIM 614959.

Allele frequency attached by ClinVar (database versions not stated): ESP Exome Variant Server 0.00016; TOPMed 0.00032; gnomAD 0.00043.
gnomAD v4.1: 491 of 1,575,392 alleles (0.031%); highest among the groups gnomAD compares: Admixed American, 0.015%; 4 homozygotes.

Submissions (5):

Labcorp Genetics (formerly Invitae), Labcorp
Classification: Benign for Autosomal dominant nocturnal frontal lobe epilepsy 5; Developmental and epileptic encephalopathy, 14. Last evaluated: 2026-01-05. Review status: criteria provided, single submitter. Criteria: Invitae Variant Classification Sherloc (09022015). Collection method: clinical testing. Allele origin: germline.

Blueprint Genetics
Classification: Likely benign. Last evaluated: 2024-10-11. Review status: criteria provided, single submitter. Criteria: ACMG Guidelines, 2015. Collection method: clinical testing. Allele origin: germline.

Genome-Nilou Lab
Classification: Likely benign for Developmental and epileptic encephalopathy, 14. Last evaluated: 2022-03-15. Review status: criteria provided, single submitter. Criteria: ACMG Guidelines, 2015. Collection method: clinical testing. Allele origin: germline. Affected: no.

Genome-Nilou Lab
Classification: Likely benign for Autosomal dominant nocturnal frontal lobe epilepsy 5. Last evaluated: 2022-03-15. Review status: criteria provided, single submitter. Criteria: ACMG Guidelines, 2015. Collection method: clinical testing. Allele origin: germline. Affected: no.

GeneDx
Classification: Likely benign. Last evaluated: 2017-12-21. Review status: criteria provided, single submitter. Criteria: GeneDx Variant Classification (06012015). Collection method: clinical testing. Allele origin: germline. Affected: yes.
Comment: This variant is considered likely benign or benign based on one or more of the following criteria: it is a conservative change, it occurs at a poorly conserved position in the protein, it is predicted to be benign by multiple in silico algorithms, and/or has population frequency not consistent with disease.

NM_020822.3(KCNT1):c.3502+12C>T

Gene: KCNT1 (potassium sodium-activated channel subfamily T member 1; plus strand). Cytogenetic location: 9q34.3.
Variant type: single nucleotide variant.
Coding change: c.3502+12C>T on transcript NM_020822.3 (MANE Select); 12 bases into the intron after coding-DNA position 3502, C replaced by T.
Molecular consequence: intron variant.
Genome position (GRCh38, 1-based): chr9:135,786,533, C>T. VCF-style: chr9-135786533-C-T. GRCh37 (hg19) VCF-style: chr9-138678379-C-T.
Other names: c.3367+12C>T (NM_001272003.2).
Identifiers: ClinVar variation 382725 (VCV000382725.11), dbSNP rs367727105, ClinGen allele CA5327834.